The following is an entry in ClinVar:

NM_003680.4(YARS1):c.1387C>G (p.Pro463Ala)

Gene: YARS1 (tyrosyl-tRNA synthetase 1; minus strand). Cytogenetic location: 1p35.1.
Variant type: single nucleotide variant.
Coding change: c.1387C>G on transcript NM_003680.4 (MANE Select); coding-DNA position 1387, C replaced by G.
Protein change: p.Pro463Ala; replaces proline 463 with alanine.
Molecular consequence: missense variant.
Genome position (GRCh38, 1-based): chr1:32,779,471, G>C on the plus strand (C>G on the coding strand, the complement: YARS1 is on the minus strand). VCF-style: chr1-32779471-G-C. GRCh37 (hg19) VCF-style: chr1-33245072-G-C.
Other names: short protein forms P463A.
Identifiers: ClinVar variation 1057802 (VCV001057802.10), dbSNP rs1230021901, ClinGen allele CA339680660.

ClinVar aggregate classification (germline): Uncertain significance (1 of 4 stars; one submission).

Conditions:
Charcot-Marie-Tooth disease dominant intermediate C (CMTDIC). Also called: CHARCOT-MARIE-TOOTH NEUROPATHY, DOMINANT INTERMEDIATE C. Identifiers: Orphanet 100045, MedGen C1842237, MONDO:0012012, OMIM 608323.

Submission:

Labcorp Genetics (formerly Invitae), Labcorp
Classification: Uncertain significance for Charcot-Marie-Tooth disease dominant intermediate C. Last evaluated: 2020-02-26. Review status: criteria provided, single submitter. Criteria: Invitae Variant Classification Sherloc (09022015). Collection method: clinical testing. Allele origin: germline.
Comment: This sequence change replaces proline with alanine at codon 463 of the YARS protein (p.Pro463Ala). The proline residue is moderately conserved and there is a small physicochemical difference between proline and alanine. This variant is not present in population databases (ExAC no frequency). This variant has been observed in individual(s) with clinical features of Charcot-Marie-Tooth disease (Invitae). Algorithms developed to predict the effect of missense changes on protein structure and function are either unavailable or do not agree on the potential impact of this missense change (SIFT: "Not Available"; PolyPhen-2: "Benign"; Align-GVGD: "Not Available"). In summary, the available evidence is currently insufficient to determine the role of this variant in disease. Therefore, it has been classified as a Variant of Uncertain Significance.